The following is an entry in ClinVar:

NM_001349338.3(FOXP1):c.1801G>C (p.Ala601Pro)

Gene: FOXP1 (forkhead box P1; minus strand). Cytogenetic location: 3p13.
Variant type: single nucleotide variant.
Coding change: c.1801G>C on transcript NM_001349338.3 (MANE Select); coding-DNA position 1801, G replaced by C.
Protein change: p.Ala601Pro; replaces alanine 601 with proline.
Molecular consequence: missense variant. On other transcripts: non-coding transcript variant (2).
Genome position (GRCh38, 1-based): chr3:70,965,978, C>G on the plus strand (G>C on the coding strand, the complement: FOXP1 is on the minus strand). VCF-style: chr3-70965978-C-G. GRCh37 (hg19) VCF-style: chr3-71015129-C-G.
Other names: c.1798G>C, p.Ala600Pro (NM_001244808.3, NM_001349341.3); c.1849G>C, p.Ala617Pro (NM_001244810.2); c.1573G>C, p.Ala525Pro (NM_001244812.3); c.1501G>C, p.Ala501Pro (NM_001244813.3, NM_001244815.2, NM_001349342.3); c.1801G>C, p.Ala601Pro (NM_001244814.3, NM_001244816.2, NM_001349340.3 and 1 more transcripts); c.1498G>C, p.Ala500Pro (NM_001349337.2, NM_001349343.3, NM_001349344.3 and 1 more transcripts); short protein forms A500P, A501P, A525P, A600P, A601P, A617P.
Identifiers: ClinVar variation 3893557 (VCV003893557.1).

ClinVar aggregate classification (germline): Uncertain significance (1 of 4 stars; one submission).

Submission:

GeneDx
Classification: Uncertain significance. Last evaluated: 2024-10-28. Review status: criteria provided, single submitter. Criteria: GeneDx Variant Classification Process June 2021. Collection method: clinical testing. Allele origin: germline. Affected: yes.
Comment: Not observed at significant frequency in large population cohorts (gnomAD); In silico analysis indicates that this missense variant does not alter protein structure/function; Has not been previously published as pathogenic or benign to our knowledge